The following is an entry in ClinVar:

NC_000009.12:g.(?_6620174)_(6645509_?)del

Gene: GLDC (glycine decarboxylase; minus strand). Cytogenetic location: 9p24.1.
Variant type: Deletion.
Identifiers: ClinVar variation 831793 (VCV000831793.10).

ClinVar aggregate classification (germline): Pathogenic (1 of 4 stars; one submission).

Conditions:
Glycine encephalopathy. Also called: Nonketotic hyperglycinemia; Non-ketotic hyperglycinemia. Identifiers: Orphanet 407, MedGen C0751748, MONDO:0011612, HP:0008288.

Submission:

Labcorp Genetics (formerly Invitae), Labcorp
Classification: Pathogenic for Glycine encephalopathy. Last evaluated: 2022-04-12. Review status: criteria provided, single submitter. Criteria: Invitae Variant Classification Sherloc (09022015). Collection method: clinical testing. Allele origin: germline.
Comment: This variant is a gross deletion of the genomic region encompassing exon(s) 1-3 of the GLDC gene, which includes the initiator codon. This deletion extends beyond the assayed region for this gene and therefore may encompass additional genes. It is expected to result in an absent or disrupted protein product. Loss-of-function variants in GLDC are known to be pathogenic (PMID: 16601880). A similar copy number variant has been observed in individual(s) with nonketotic hyperglycinemia (NKH) (PMID: 10798358). For these reasons, this variant has been classified as Pathogenic.

Literature cited by the submitters: PubMed 16601880; PubMed 10798358.